The following is an entry in ClinVar:

ClinVar aggregate classification (germline): Likely pathogenic (1 of 4 stars; one submission).

Conditions:
Hereditary cancer-predisposing syndrome. Also called: Hereditary Cancer Syndrome; Hereditary neoplastic syndrome; Neoplastic Syndromes, Hereditary; Tumor predisposition. Identifiers: Orphanet 140162, MedGen C0027672, MeSH D009386, MONDO:0015356.

Submission:

Sema4
Classification: Likely pathogenic for Hereditary cancer-predisposing syndrome. Last evaluated: 2021-10-15. Review status: criteria provided, single submitter. Criteria: Sema4 Curation Guidelines. Collection method: curation. Allele origin: germline.
Comment: To the best of our knowledge, the PALB2 c.921delA (p.A308LfsX2) variant has not been reported in individuals with PALB2-related disease. This variant causes a frameshift at amino acid 308 that results in premature termination 2 amino acids downstream. At this location, nonsense-mediated decay is predicted to occur, leading to a loss of gene function. Loss of function variants in PALB2 are known to be pathogenic (PMID: 17200668). This variant is not reported in the population database Genome Aggregation Database (PMID: 32461654), and has not been reported in ClinVar. Based on the current evidence available, this variant is interpreted as likely pathogenic.

Literature cited by the submitters: PubMed 17200668.

NM_024675.4(PALB2):c.921del (p.Ala308fs)

Gene: PALB2 (partner and localizer of BRCA2; minus strand). Cytogenetic location: 16p12.2.
Variant type: Deletion.
Coding change: c.921del on transcript NM_024675.4 (MANE Select); coding-DNA position 921, one base deleted (A; older notation c.921delA).
Protein change: p.Ala308fs; shifts the reading frame from alanine 308.
Molecular consequence: frameshift variant.
Genome position (GRCh38, 1-based): chr16:23,635,625, T deleted on the plus strand (A on the coding strand, the reverse complement: PALB2 is on the minus strand); the first of 3 consecutive T bases (chr16:23,635,625-23,635,627); deleting any one gives the same sequence. VCF-style (leftmost placement, unchanged base first): chr16-23635624-CT-C. GRCh37 (hg19) VCF-style: chr16-23646945-CT-C.
Other names: short protein forms A308fs.
Identifiers: ClinVar variation 1691956 (VCV001691956.1), dbSNP rs202151522, ClinGen allele CA279499149.